The following is an entry in ClinVar:

ClinVar aggregate classification (germline): Uncertain significance (1 of 4 stars; one submission).

Conditions:
Cystic fibrosis (CF). Also called: MUCOVISCIDOSIS. Identifiers: Orphanet 586, MedGen C0010674, MONDO:0009061, OMIM 219700. Disease mechanism: loss of function.

Submission:

Ambry Genetics
Classification: Uncertain significance for Cystic fibrosis. Last evaluated: 2021-09-01. Review status: criteria provided, single submitter. Criteria: Ambry Variant Classification Scheme 2023. Collection method: clinical testing. Allele origin: germline.
Comment: The p.H1079Y variant (also known as c.3235C>T), located in coding exon 20 of the CFTR gene, results from a C to T substitution at nucleotide position 3235. The histidine at codon 1079 is replaced by tyrosine, an amino acid with similar properties. This amino acid position is conserved. In addition, this alteration is predicted to be deleterious by in silico analysis. Since supporting evidence is limited at this time, the clinical significance of this alteration remains unclear.

NM_000492.4(CFTR):c.3235C>T (p.His1079Tyr)

Genes: CFTR (CF transmembrane conductance regulator; plus strand), CFTR-AS2 (CFTR antisense RNA 2; minus strand), LOC111674472 (DNase I hypersensitive sites in introns 16 and 17a of CFTR; plus strand). Cytogenetic location: 7q31.2.
Variant type: single nucleotide variant.
Coding change: c.3235C>T on transcript NM_000492.4 (MANE Select); coding-DNA position 3235, C replaced by T.
Protein change: p.His1079Tyr; replaces histidine 1079 with tyrosine.
Molecular consequence: missense variant.
Genome position (GRCh38, 1-based): chr7:117,611,676, C>T. VCF-style: chr7-117611676-C-T. GRCh37 (hg19) VCF-style: chr7-117251730-C-T.
Other names: short protein forms H1079Y.
Identifiers: ClinVar variation 1729236 (VCV001729236.2), dbSNP rs2485130396, ClinGen allele CA368992199.